The following is an entry in ClinVar:

ClinVar aggregate classification (germline): Likely benign (0 of 4 stars; one submission).

Conditions:
GRB10-related disorder. Also called: GRB10-related condition.

Allele frequency attached by ClinVar (database versions not stated): ExAC 0.00008; TOPMed 0.00009; gnomAD 0.00011; ESP Exome Variant Server 0.00017; gnomAD exomes 0.00020.
gnomAD v4.1: 319 of 1,614,134 alleles (0.02%); highest among the groups gnomAD compares: Middle Eastern, 0.033%; no homozygotes.

Submission:

PreventionGenetics, part of Exact Sciences
Classification: Likely benign for GRB10-related condition. Last evaluated: 2020-01-31. Review status: no assertion criteria provided. Collection method: clinical testing. Allele origin: germline.
Comment: This variant is classified as likely benign based on ACMG/AMP sequence variant interpretation guidelines (Richards et al. 2015 PMID: 25741868, with internal and published modifications).

NM_001350814.2(GRB10):c.894T>C (p.His298=)

Gene: GRB10 (growth factor receptor bound protein 10; minus strand). Cytogenetic location: 7p12.1.
Variant type: single nucleotide variant.
Coding change: c.894T>C on transcript NM_001350814.2 (MANE Select); coding-DNA position 894, T replaced by C.
Protein change: p.His298=; no amino-acid change (histidine 298 retained).
Molecular consequence: synonymous variant. On other transcripts: intron variant (1).
Genome position (GRCh38, 1-based): chr7:50,616,300, A>G on the plus strand (T>C on the coding strand, the complement: GRB10 is on the minus strand). VCF-style: chr7-50616300-A-G. GRCh37 (hg19) VCF-style: chr7-50683997-A-G.
Other names: c.720T>C, p.His240= (NM_001001550.3, NM_001001555.3, NM_001350816.3 and 1 more transcripts); c.1008T>C, p.His336= (NM_001350815.2); c.1041T>C, p.His347= (NM_001371009.1); c.847-1420T>C (NM_001001549.3).
Identifiers: ClinVar variation 3050540 (VCV003050540.2), dbSNP rs376650644, ClinGen allele CA4262814.